The following is an entry in ClinVar:

ClinVar aggregate classification (germline): Benign/Likely benign. Review status: criteria provided, multiple submitters, no conflicts (2 of 4 stars). 4 submissions from 4 submitters: Benign (2); Likely benign (2). Last evaluated 2026-01-18.

Conditions:
Brain small vessel disease 2A, autosomal dominant. Also called: Porencephaly 2. Identifiers: Orphanet 2940, Orphanet 99810, MedGen C3280970, MONDO:0013773, OMIM 614483.

Allele frequency attached by ClinVar (database versions not stated): gnomAD 0.00230 and 0.00210; ExAC 0.00257; gnomAD exomes 0.00348 and 0.00086; TOPMed 0.00357; 1000 Genomes Project 30x 0.00812; 1000 Genomes Project 0.00859; ESP Exome Variant Server 0.00008.
gnomAD v4.1: 1,686 of 1,613,904 alleles (0.1%); highest among the groups gnomAD compares: Admixed American, 1.4%; 9 homozygotes.

Submissions (4):

Labcorp Genetics (formerly Invitae), Labcorp
Classification: Benign. Last evaluated: 2026-01-18. Review status: criteria provided, single submitter. Criteria: Invitae Variant Classification Sherloc (09022015). Collection method: clinical testing. Allele origin: germline.

Blueprint Genetics
Classification: Likely benign. Last evaluated: 2024-11-20. Review status: criteria provided, single submitter. Criteria: ACMG Guidelines, 2015. Collection method: clinical testing. Allele origin: germline.

GeneDx
Classification: Likely benign. Last evaluated: 2018-09-04. Review status: criteria provided, single submitter. Criteria: GeneDx Variant Classification Process June 2021. Collection method: clinical testing. Allele origin: germline. Affected: yes.

Illumina Laboratory Services, Illumina
Classification: Benign for Brain small vessel disease 2A, autosomal dominant. Last evaluated: 2018-01-13. Review status: criteria provided, single submitter. Criteria: ICSL Variant Classification Criteria 13 December 2019. Collection method: clinical testing. Allele origin: germline.
Comment: This variant was observed in the ICSL laboratory as part of a predisposition screen in an ostensibly healthy population. It had not been previously curated by ICSL or reported in the Human Gene Mutation Database (HGMD: prior to June 1st, 2018), and was therefore a candidate for classification through an automated scoring system. Utilizing variant allele frequency, disease prevalence and penetrance estimates, and inheritance mode, an automated score was calculated to assess if this variant is too frequent to cause the disease. Based on the score and internal cut-off values, a variant classified as benign is not then subjected to further curation. The score for this variant resulted in a classification of benign for this disease.

NM_001846.4(COL4A2):c.3634+12C>T

Gene: COL4A2 (collagen type IV alpha 2 chain; plus strand). Cytogenetic location: 13q34.
Variant type: single nucleotide variant.
Coding change: c.3634+12C>T on transcript NM_001846.4 (MANE Select); 12 bases into the intron after coding-DNA position 3634, C replaced by T.
Molecular consequence: intron variant.
Genome position (GRCh38, 1-based): chr13:110,493,294, C>T. VCF-style: chr13-110493294-C-T. GRCh37 (hg19) VCF-style: chr13-111145641-C-T.
Identifiers: ClinVar variation 311165 (VCV000311165.15), dbSNP rs148069014, ClinGen allele CA7050268.